The following is an entry in ClinVar:

ClinVar aggregate classification (germline): Likely benign (1 of 4 stars; one submission).

Conditions:
MACF1-related disorder. Also called: MACF1-related condition.

gnomAD v4.1: 53 of 1,614,028 alleles (0.0033%); highest among the groups gnomAD compares: Non-Finnish European, 0.0042%; no homozygotes.

Submission:

PreventionGenetics, part of Exact Sciences
Classification: Likely benign for MACF1-related condition. Last evaluated: 2025-12-22. Review status: criteria provided, single submitter. Criteria: ACMG Guidelines, 2015. Collection method: clinical testing. Allele origin: germline.
Comment: This variant is classified as likely benign based on ACMG/AMP sequence variant interpretation guidelines (Richards et al. 2015 PMID: 25741868, with internal and published modifications).

NM_001394062.1(MACF1):c.2892T>C (p.Leu964=)

Gene: MACF1 (microtubule actin crosslinking factor 1; plus strand). Cytogenetic location: 1p34.3.
Variant type: single nucleotide variant.
Coding change: c.2892T>C on transcript NM_001394062.1 (MANE Select); coding-DNA position 2892, T replaced by C.
Protein change: p.Leu964=; no amino-acid change (leucine 964 retained).
Molecular consequence: synonymous variant.
Genome position (GRCh38, 1-based): chr1:39,309,672, T>C. VCF-style: chr1-39309672-T-C. GRCh37 (hg19) VCF-style: chr1-39775344-T-C.
Other names: c.2907T>C, p.Leu969= (NM_012090.5).
Identifiers: ClinVar variation 4979516 (VCV004979516.1).
Genomic context (GRCh38, chr1:39,309,672, plus strand): 5'-GCTGCATGTTAACACCAAAAGCCTTATCTCTTGGAACTATCTGCGTAAAGACCTTGACCT[T>C]GTACAGACCTGGAACCTAGAAAAGGTAATTATGAAAACCTTACCCCAGGCTTACATTCCA-3'
Protein context (NP_001380991.1, residues 954-974): SWNYLRKDLD[Leu964=]VQTWNLEKLR